The following is an entry in ClinVar:

NM_006521.6(TFE3):c.391C>T (p.Arg131Cys)

Gene: TFE3 (transcription factor binding to IGHM enhancer 3; minus strand). Cytogenetic location: Xp11.23.
Variant type: single nucleotide variant.
Coding change: c.391C>T on transcript NM_006521.6 (MANE Select); coding-DNA position 391, C replaced by T.
Protein change: p.Arg131Cys; replaces arginine 131 with cysteine.
Molecular consequence: missense variant.
Genome position (GRCh38, 1-based): chrX:49,039,250, G>A on the plus strand (C>T on the coding strand, the complement: TFE3 is on the minus strand). VCF-style: chrX-49039250-G-A. GRCh37 (hg19) VCF-style: chrX-48896775-G-A.
Other names: c.76C>T, p.Arg26Cys (NM_001282142.2); short protein forms R131C, R26C.
Identifiers: ClinVar variation 3764227 (VCV003764227.1).
Genomic context (GRCh38, chrX:49,039,250, plus strand): 5'-CAGGAGAGGCAGGTGCAGGACTGGGGAAGGGAGCCGCGGCGGCCTGTTCCCGACGCTCAC[G>A]CCTCTCCTGCTCCTGCGCCTGGGCCCGCATTAGCTGCTGCCGCAGCAAGACCCTCGATGA-3'
Protein context (NP_006512.2, residues 121-141): MRAQAQEQER[Arg131Cys]ERREQAAAAP

ClinVar aggregate classification (germline): Uncertain significance (1 of 4 stars; one submission).

Submission:

GeneDx
Classification: Uncertain significance. Last evaluated: 2024-08-23. Review status: criteria provided, single submitter. Criteria: GeneDx Variant Classification Process June 2021. Collection method: clinical testing. Allele origin: germline. Affected: yes.
Comment: Not observed at significant frequency in large population cohorts (gnomAD); In silico analysis supports that this missense variant has a deleterious effect on protein structure/function; Has not been previously published as pathogenic or benign to our knowledge